The following is an entry in ClinVar:

ClinVar aggregate classification (germline): Pathogenic (1 of 4 stars; one submission).

gnomAD v4.1: 1 of 1,607,612 alleles (0.000062%); highest among the groups gnomAD compares: Non-Finnish European, 0.000085%; no homozygotes.

Submission:

Labcorp Genetics (formerly Invitae), Labcorp
Classification: Pathogenic. Last evaluated: 2024-12-15. Review status: criteria provided, single submitter. Criteria: Invitae Variant Classification Sherloc (09022015). Collection method: clinical testing. Allele origin: germline.
Comment: This sequence change creates a premature translational stop signal (p.Trp137*) in the SLC20A2 gene. It is expected to result in an absent or disrupted protein product. Loss-of-function variants in SLC20A2 are known to be pathogenic (PMID: 23334463). This variant is not present in population databases (gnomAD no frequency). This variant has not been reported in the literature in individuals affected with SLC20A2-related conditions. For these reasons, this variant has been classified as Pathogenic.

Literature cited by the submitters: PubMed 23334463.

NM_001257180.2(SLC20A2):c.410G>A (p.Trp137Ter)

Gene: SLC20A2 (solute carrier family 20 member 2; minus strand). Cytogenetic location: 8p11.21.
Variant type: single nucleotide variant.
Coding change: c.410G>A on transcript NM_001257180.2 (MANE Select); coding-DNA position 410, G replaced by A.
Protein change: p.Trp137Ter; replaces tryptophan 137 with a stop codon.
Molecular consequence: nonsense.
Genome position (GRCh38, 1-based): chr8:42,465,797, C>T on the plus strand (G>A on the coding strand, the complement: SLC20A2 is on the minus strand). VCF-style: chr8-42465797-C-T. GRCh37 (hg19) VCF-style: chr8-42323315-C-T.
Other names: c.410G>A, p.Trp137Ter (NM_001257181.2, NM_006749.5); short protein forms W137*.
Identifiers: ClinVar variation 3727347 (VCV003727347.2).